The following is an entry in ClinVar:

NM_001379110.1(SLC9A6):c.1588C>G (p.Pro530Ala)

Gene: SLC9A6 (solute carrier family 9 member A6; plus strand). Cytogenetic location: Xq26.3.
Variant type: single nucleotide variant.
Coding change: c.1588C>G on transcript NM_001379110.1 (MANE Select); coding-DNA position 1588, C replaced by G.
Protein change: p.Pro530Ala; replaces proline 530 with alanine.
Molecular consequence: missense variant.
Genome position (GRCh38, 1-based): chrX:136,033,420, C>G. VCF-style: chrX-136033420-C-G. GRCh37 (hg19) VCF-style: chrX-135115579-C-G.
Other names: c.1654C>G, p.Pro552Ala (NM_001042537.2); c.1498C>G, p.Pro500Ala (NM_001177651.2); c.1402C>G, p.Pro468Ala (NM_001330652.2); c.1558C>G, p.Pro520Ala (NM_006359.3); short protein forms P520A, P468A, P500A, P530A, P552A.
Identifiers: ClinVar variation 1523229 (VCV001523229.8), dbSNP rs782145804, ClinGen allele CA414755365.

ClinVar aggregate classification (germline): Uncertain significance (1 of 4 stars; one submission).

Conditions:
Christianson syndrome (MRXSCH). Also called: INTELLECTUAL DEVELOPMENTAL DISORDER, X-LINKED, SYNDROMIC, CHRISTIANSON TYPE; SLC9A6-Related Syndromic Mental Retardation; X-linked mental retardation, syndromic, Christianson type. Identifiers: Orphanet 85278, MedGen C2678194, MONDO:0010278, OMIM 300243.

Submission:

Labcorp Genetics (formerly Invitae), Labcorp
Classification: Uncertain significance for Christianson syndrome. Last evaluated: 2021-04-05. Review status: criteria provided, single submitter. Criteria: Invitae Variant Classification Sherloc (09022015). Collection method: clinical testing. Allele origin: germline.
Comment: In summary, the available evidence is currently insufficient to determine the role of this variant in disease. Therefore, it has been classified as a Variant of Uncertain Significance. Algorithms developed to predict the effect of missense changes on protein structure and function (SIFT, PolyPhen-2, Align-GVGD) all suggest that this variant is likely to be tolerated, but these predictions have not been confirmed by published functional studies and their clinical significance is uncertain. This variant has not been reported in the literature in individuals with SLC9A6-related conditions. This variant is not present in population databases (ExAC no frequency). This sequence change replaces proline with alanine at codon 520 of the SLC9A6 protein (p.Pro520Ala). The proline residue is highly conserved and there is a small physicochemical difference between proline and alanine.